The following is an entry in ClinVar:

ClinVar aggregate classification (germline): Uncertain significance. Review status: criteria provided, multiple submitters, no conflicts (2 of 4 stars). 2 submissions from 2 submitters: Uncertain significance (2). Last evaluated 2026-02-19.

Conditions:
Amyotrophic lateral sclerosis type 8 (ALS8). Identifiers: Orphanet 803, MedGen C1837728, MONDO:0012077, OMIM 608627.
Adult-onset proximal spinal muscular atrophy, autosomal dominant. Also called: FINKEL LATE-ADULT TYPE SMA; Spinal muscular atrophy, late-onset, finkel type. Identifiers: Orphanet 209335, MedGen C1854058, MONDO:0008453, OMIM 182980.

Allele frequency attached by ClinVar (database versions not stated): gnomAD exomes 0.00001; ExAC 0.00001.
gnomAD v4.1: 8 of 1,614,146 alleles (0.0005%); highest among the groups gnomAD compares: South Asian, 0.0033%; no homozygotes.

Submissions (2):

Dasa
Classification: Uncertain significance. Last evaluated: 2026-02-19. Review status: criteria provided, single submitter. Criteria: DASA Assertion Criteria. Collection method: clinical testing. Allele origin: germline.
Comment: NM_004738.5(VAPB):c.111C>A (p.Asp37Glu) is a missense variant that results in the substitution of aspartic acid with glutamic acid. This variant is rare in population databases. The currently available literature and clinical evidence are not sufficient to establish a definitive association between this variant and the reported condition. Therefore, this variant is classified as a variant of uncertain significance.

Labcorp Genetics (formerly Invitae), Labcorp
Classification: Uncertain significance for Adult-onset proximal spinal muscular atrophy, autosomal dominant; Amyotrophic lateral sclerosis type 8. Last evaluated: 2022-06-20. Review status: criteria provided, single submitter. Criteria: Invitae Variant Classification Sherloc (09022015). Collection method: clinical testing. Allele origin: germline.
Comment: This variant is present in population databases (rs781691837, gnomAD 0.0009%). In summary, the available evidence is currently insufficient to determine the role of this variant in disease. Therefore, it has been classified as a Variant of Uncertain Significance. Algorithms developed to predict the effect of missense changes on protein structure and function are either unavailable or do not agree on the potential impact of this missense change (SIFT: "Not Available"; PolyPhen-2: "Benign"; Align-GVGD: "Not Available"). ClinVar contains an entry for this variant (Variation ID: 579701). This variant has not been reported in the literature in individuals affected with VAPB-related conditions. This sequence change replaces aspartic acid, which is acidic and polar, with glutamic acid, which is acidic and polar, at codon 37 of the VAPB protein (p.Asp37Glu).

NM_004738.5(VAPB):c.111C>A (p.Asp37Glu)

Gene: VAPB (VAMP associated protein B and C; plus strand). Cytogenetic location: 20q13.32.
Variant type: single nucleotide variant.
Coding change: c.111C>A on transcript NM_004738.5 (MANE Select); coding-DNA position 111, C replaced by A.
Protein change: p.Asp37Glu; replaces aspartic acid 37 with glutamic acid.
Molecular consequence: missense variant. On other transcripts: non-coding transcript variant (1).
Genome position (GRCh38, 1-based): chr20:58,418,263, C>A. VCF-style: chr20-58418263-C-A. GRCh37 (hg19) VCF-style: chr20-56993319-C-A.
Other names: c.111C>A, p.Asp37Glu (NM_001195677.2); short protein forms D37E.
Identifiers: ClinVar variation 579701 (VCV000579701.13), dbSNP rs781691837, ClinGen allele CA9924174.
Genomic context (GRCh38, chr20:58,418,263, plus strand): 5'-TTCTACAGGTCCCTTCACCGATGTTGTCACCACCAACCTAAAGCTTGGCAACCCGACAGA[C>A]CGAAATGTGTGTTTTAAGGTGAAGACTACAGCACCACGTAGGTACTGTGTGAGGCCCAAC-3'
Protein context (NP_004729.1, residues 27-47): TTNLKLGNPT[Asp37Glu]RNVCFKVKTT